The following is an entry in ClinVar:

ClinVar aggregate classification (germline): Pathogenic/Likely pathogenic. Review status: criteria provided, multiple submitters, no conflicts (2 of 4 stars). 7 submissions from 7 submitters: Pathogenic (3); Likely pathogenic (2). 2 of the submissions do not count toward it. Last evaluated 2025-09-21.

Conditions:
SLC34A3-related disorder. Also called: SLC34A3-related condition.
Autosomal recessive hypophosphatemic bone disease (HHRH). Also called: HYPERCALCIURIC RICKETS; Hypophosphatemic rickets with hypercalciuria. Identifiers: Orphanet 157215, MedGen C1853271, MONDO:0009431, OMIM 241530.

Submissions (7):

Labcorp Genetics (formerly Invitae), Labcorp
Classification: Pathogenic. Last evaluated: 2025-09-21. Review status: criteria provided, single submitter. Criteria: Invitae Variant Classification Sherloc (09022015). Collection method: clinical testing. Allele origin: germline.
Comment: This sequence change replaces arginine, which is basic and polar, with tryptophan, which is neutral and slightly polar, at codon 468 of the SLC34A3 protein (p.Arg468Trp). This variant is present in population databases (rs121918238, gnomAD 0.008%). This missense change has been observed in individual(s) with hypophosphatemic rickets with hypercalciuria (PMID: 16358214, 24246249). In at least one individual the data is consistent with being in trans (on the opposite chromosome) from a pathogenic variant. ClinVar contains an entry for this variant (Variation ID: 1432). Invitae Evidence Modeling of protein sequence and biophysical properties (such as structural, functional, and spatial information, amino acid conservation, physicochemical variation, residue mobility, and thermodynamic stability) indicates that this missense variant is expected to disrupt SLC34A3 protein function with a positive predictive value of 80%. Experimental studies have shown that this missense change affects SLC34A3 function (PMID: 22159077, 26399350). For these reasons, this variant has been classified as Pathogenic.

Department of Human Genetics, Hannover Medical School
Classification: Likely pathogenic for Autosomal recessive hypophosphatemic bone disease. Last evaluated: 2024-07-02. Review status: criteria provided, single submitter. Criteria: ACMG Guidelines, 2015. Collection method: clinical testing. Allele origin: germline. Affected: yes.

CeGaT Center for Human Genetics Tuebingen
Classification: Pathogenic. Last evaluated: 2019-03-01. Review status: criteria provided, single submitter. Criteria: CeGaT Center For Human Genetics Tuebingen Variant Classification Criteria Version 2. Collection method: clinical testing. Allele origin: germline. Affected: yes. Observed: 2 variant alleles.

Institute of Human Genetics Munich, TUM University Hospital
Classification: Pathogenic for Autosomal recessive hypophosphatemic bone disease. Last evaluated: 2013-11-19. Review status: criteria provided, single submitter. Criteria: Classification criteria August 2017. Collection method: clinical testing. Allele origin: paternal. Inheritance: Autosomal recessive inheritance. Affected: yes. Observed: 1 compound heterozygote.

Juno Genomics, Hangzhou Juno Genomics, Inc
Classification: Likely pathogenic for Autosomal recessive hypophosphatemic bone disease. Review status: criteria provided, single submitter. Criteria: ACMG Guidelines, 2015. Collection method: clinical testing. Allele origin: germline.
Comment: Absent from controls (or at extremely low frequency if recessive) in Genome Aggregation Database.;For recessive disorders, detected in trans with a pathogenic variant.;Patient's phenotype or family history is highly specific for a disease with a single genetic etiology.

PreventionGenetics, part of Exact Sciences
Classification: Pathogenic for SLC34A3-related condition. Last evaluated: 2024-04-18. Review status: no assertion criteria provided. Collection method: clinical testing. Allele origin: germline. Not counted in ClinVar's aggregate classification.
Comment: The SLC34A3 c.1402C>T variant is predicted to result in the amino acid substitution p.Arg468Trp. This variant was reported in the compound heterozygous state in presumably unrelated patients affected by hereditary hypophosphatemic rickets with hypercalciuria (Bergwitz et al. 2006. PubMed ID: 16358214; Chi et al. 2014. PubMed ID: 24246249). A functional study showed that this substitution causes endoplasmic reticulum (ER) retention (Haito-Sugino et al. 2012. PubMed ID: 22159077). This variant is reported in 0.0081% of alleles in individuals of African descent in gnomAD. This variant is interpreted as pathogenic.

OMIM
Classification: Pathogenic for HYPOPHOSPHATEMIC RICKETS WITH HYPERCALCIURIA, HEREDITARY. Last evaluated: 2006-02-01. Review status: no assertion criteria provided. Collection method: literature only. Allele origin: germline. Not counted in ClinVar's aggregate classification.

Literature cited by the submitters: PubMed 16358214 (cited by Labcorp Genetics (formerly Invitae), Labcorp and OMIM); PubMed 24246249 (cited by Labcorp Genetics (formerly Invitae), Labcorp); PubMed 22159077 (cited by Labcorp Genetics (formerly Invitae), Labcorp); PubMed 26399350 (cited by Labcorp Genetics (formerly Invitae), Labcorp).

NM_001177316.2(SLC34A3):c.1402C>T (p.Arg468Trp)

Gene: SLC34A3 (solute carrier family 34 member 3; plus strand). Cytogenetic location: 9q34.3.
Variant type: single nucleotide variant.
Coding change: c.1402C>T on transcript NM_001177316.2 (MANE Select); coding-DNA position 1402, C replaced by T.
Protein change: p.Arg468Trp; replaces arginine 468 with tryptophan.
Molecular consequence: missense variant.
Genome position (GRCh38, 1-based): chr9:137,236,018, C>T. VCF-style: chr9-137236018-C-T. GRCh37 (hg19) VCF-style: chr9-140130470-C-T.
Other names: c.1402C>T, p.Arg468Trp (NM_001177317.2, NM_080877.3); short protein forms R468W.
Identifiers: ClinVar variation 1432 (VCV000001432.55), dbSNP rs121918238, ClinGen allele CA115016.